The following is an entry in ClinVar:

NM_172245.4(CSF2RA):c.515C>T (p.Ser172Leu)

Gene: CSF2RA (colony stimulating factor 2 receptor subunit alpha; plus strand). Cytogenetic location: Xp22.33.
Variant type: single nucleotide variant.
Coding change: c.515C>T on transcript NM_172245.4 (MANE Select); coding-DNA position 515, C replaced by T.
Protein change: p.Ser172Leu; replaces serine 172 with leucine.
Molecular consequence: missense variant. On other transcripts: non-coding transcript variant (1).
Genome position (GRCh38, 1-based): chrX:1,290,378, C>T. VCF-style: chrX-1290378-C-T. GRCh37 (hg19) VCF-style: chrX-1409271-C-T.
Other names: c.515C>T, p.Ser172Leu (NM_172246.4, NM_172247.3, NM_172249.4 and 21 more transcripts); c.116C>T, p.Ser39Leu (NM_001161532.2); short protein forms S39L, S172L.
Identifiers: ClinVar variation 2086187 (VCV002086187.4), dbSNP rs762982746, ClinGen allele CA412235567.

ClinVar aggregate classification (germline): Uncertain significance (1 of 4 stars; one submission).

Conditions:
Surfactant metabolism dysfunction, pulmonary, 4 (SMDP4). Also called: CSF2RA DEFICIENCY; PAP DUE TO CSF2RA DEFICIENCY; PULMONARY ALVEOLAR PROTEINOSIS, CONGENITAL, 4. Identifiers: Orphanet 264675, MedGen C2677877, MONDO:0010424, OMIM 300770.

Allele frequency attached by ClinVar (database versions not stated): gnomAD 0.00001.
gnomAD v4.1: 1 of 1,613,608 alleles (0.000062%); highest among the groups gnomAD compares: African/African-American, 0.0013%; no homozygotes.

Submission:

Labcorp Genetics (formerly Invitae), Labcorp
Classification: Uncertain significance for Surfactant metabolism dysfunction, pulmonary, 4. Last evaluated: 2022-09-06. Review status: criteria provided, single submitter. Criteria: Invitae Variant Classification Sherloc (09022015). Collection method: clinical testing. Allele origin: germline.
Comment: This sequence change replaces serine, which is neutral and polar, with leucine, which is neutral and non-polar, at codon 172 of the CSF2RA protein (p.Ser172Leu). This variant is not present in population databases (gnomAD no frequency). This variant has not been reported in the literature in individuals affected with CSF2RA-related conditions. Algorithms developed to predict the effect of missense changes on protein structure and function are either unavailable or do not agree on the potential impact of this missense change (SIFT: "Deleterious"; PolyPhen-2: "Not Available"; Align-GVGD: "Class C0"). In summary, the available evidence is currently insufficient to determine the role of this variant in disease. Therefore, it has been classified as a Variant of Uncertain Significance.